The following is an entry in ClinVar:

NM_032520.5(GNPTG):c.310A>G (p.Ile104Val)

Gene: GNPTG (N-acetylglucosamine-1-phosphate transferase subunit gamma; plus strand). Cytogenetic location: 16p13.3.
Variant type: single nucleotide variant.
Coding change: c.310A>G on transcript NM_032520.5 (MANE Select); coding-DNA position 310, A replaced by G.
Protein change: p.Ile104Val; replaces isoleucine 104 with valine.
Molecular consequence: missense variant.
Genome position (GRCh38, 1-based): chr16:1,361,948, A>G. VCF-style: chr16-1361948-A-G. GRCh37 (hg19) VCF-style: chr16-1411949-A-G.
Other names: short protein forms I104V.
Identifiers: ClinVar variation 1915608 (VCV001915608.2), dbSNP rs2034892317, ClinGen allele CA394187050.

ClinVar aggregate classification (germline): Uncertain significance (1 of 4 stars; one submission).

Allele frequency attached by ClinVar (database versions not stated): gnomAD exomes 0.00001.

Submission:

Labcorp Genetics (formerly Invitae), Labcorp
Classification: Uncertain significance. Last evaluated: 2022-03-09. Review status: criteria provided, single submitter. Criteria: Invitae Variant Classification Sherloc (09022015). Collection method: clinical testing. Allele origin: germline.
Comment: This sequence change replaces isoleucine, which is neutral and non-polar, with valine, which is neutral and non-polar, at codon 104 of the GNPTG protein (p.Ile104Val). This variant is not present in population databases (gnomAD no frequency). This variant has not been reported in the literature in individuals affected with GNPTG-related conditions. Algorithms developed to predict the effect of missense changes on protein structure and function output the following: SIFT: "Tolerated"; PolyPhen-2: "Benign"; Align-GVGD: "Class C0". The valine amino acid residue is found in multiple mammalian species, which suggests that this missense change does not adversely affect protein function. In summary, the available evidence is currently insufficient to determine the role of this variant in disease. Therefore, it has been classified as a Variant of Uncertain Significance.